The following is an entry in ClinVar:

ClinVar aggregate classification (germline): Conflicting classifications of pathogenicity. Review status: criteria provided, conflicting classifications (1 of 4 stars). 3 submissions from 3 submitters: Uncertain significance (1); Likely benign (1). 1 of the submissions does not count toward it. Last evaluated 2025-06-09.

Conditions:
Cardiovascular phenotype. Identifiers: MedGen CN230736.
Retinal dystrophy. Also called: Inherited retinal dystrophy. Identifiers: Orphanet 71862, MedGen C0854723, MeSH D058499, MONDO:0019118, HP:0000556.
Alagille syndrome due to a JAG1 point mutation. Also called: Alagille Syndrome 1; HEPATIC DUCTULAR HYPOPLASIA, SYNDROMATIC; JAG1-Related Alagille Syndrome. Identifiers: Orphanet 261619, Orphanet 52, MedGen C1956125, MONDO:0016862, OMIM 118450.

Allele frequency attached by ClinVar (database versions not stated): TOPMed below 0.00001; gnomAD 0.00001; gnomAD exomes 0.00001.
gnomAD v4.1: 22 of 1,614,004 alleles (0.0014%); highest among the groups gnomAD compares: South Asian, 0.0033%; no homozygotes.

Submissions (3):

Labcorp Genetics (formerly Invitae), Labcorp
Classification: Likely benign for Alagille syndrome due to a JAG1 point mutation. Last evaluated: 2025-06-09. Review status: criteria provided, single submitter. Criteria: Invitae Variant Classification Sherloc (09022015). Collection method: clinical testing. Allele origin: germline.

Ambry Genetics
Classification: Uncertain significance for Cardiovascular phenotype. Last evaluated: 2022-08-20. Review status: criteria provided, single submitter. Criteria: Ambry Variant Classification Scheme 2023. Collection method: clinical testing. Allele origin: germline.
Comment: The p.R1097Q variant (also known as c.3290G>A), located in coding exon 26 of the JAG1 gene, results from a G to A substitution at nucleotide position 3290. The arginine at codon 1097 is replaced by glutamine, an amino acid with highly similar properties. This amino acid position is conserved. In addition, this alteration is predicted to be deleterious by in silico analysis. Since supporting evidence is limited at this time, the clinical significance of this alteration remains unclear.

Institute of Human Genetics, Univ. Regensburg, Univ. Regensburg
Classification: Uncertain significance for Retinal dystrophy. Last evaluated: 2022-01-01. Review status: no assertion criteria provided. Criteria: ACMG Guidelines, 2015. Collection method: clinical testing. Allele origin: germline. Affected: yes. Not counted in ClinVar's aggregate classification.

NM_000214.3(JAG1):c.3290G>A (p.Arg1097Gln)

Gene: JAG1 (jagged canonical Notch ligand 1; minus strand). Cytogenetic location: 20p12.2.
Variant type: single nucleotide variant.
Coding change: c.3290G>A on transcript NM_000214.3 (MANE Select); coding-DNA position 3290, G replaced by A.
Protein change: p.Arg1097Gln; replaces arginine 1097 with glutamine.
Molecular consequence: missense variant.
Genome position (GRCh38, 1-based): chr20:10,639,865, C>T on the plus strand (G>A on the coding strand, the complement: JAG1 is on the minus strand). VCF-style: chr20-10639865-C-T. GRCh37 (hg19) VCF-style: chr20-10620513-C-T.
Other names: short protein forms R1097Q.
Identifiers: ClinVar variation 1423382 (VCV001423382.10), dbSNP rs1462490364, ClinGen allele CA408243487.